The following is an entry in ClinVar:

NM_001365536.1(SCN9A):c.4455G>A (p.Met1485Ile)

Genes: SCN9A (sodium voltage-gated channel alpha subunit 9; minus strand), SCN1A-AS1 (SCN1A and SCN9A antisense RNA 1; plus strand). Cytogenetic location: 2q24.3.
Variant type: single nucleotide variant.
Coding change: c.4455G>A on transcript NM_001365536.1 (MANE Select); coding-DNA position 4455, G replaced by A.
Protein change: p.Met1485Ile; replaces methionine 1485 with isoleucine.
Molecular consequence: missense variant.
Genome position (GRCh38, 1-based): chr2:166,204,408, C>T on the plus strand (G>A on the coding strand, the complement: SCN9A is on the minus strand). VCF-style: chr2-166204408-C-T. GRCh37 (hg19) VCF-style: chr2-167060918-C-T.
Other names: c.4422G>A, p.Met1474Ile (NM_002977.4); short protein forms M1474I, M1485I.
Identifiers: ClinVar variation 3752939 (VCV003752939.2).

ClinVar aggregate classification (germline): Uncertain significance (1 of 4 stars; one submission).

Conditions:
Neuropathy, hereditary sensory and autonomic, type 2A (HSAN2A). Also called: ACROOSTEOLYSIS, GIACCAI TYPE; ACROOSTEOLYSIS, NEUROGENIC; WNK1-Related HSAN2 (HSAN2A); MORVAN DISEASE; NEUROPATHY, CONGENITAL SENSORY; NEUROPATHY, HEREDITARY SENSORY RADICULAR, AUTOSOMAL RECESSIVE. Identifiers: Orphanet 970, MedGen C2752089, MONDO:0024309, OMIM 201300.
Generalized epilepsy with febrile seizures plus, type 7 (GEFSP7). Also called: GEFS+, TYPE 7. Identifiers: Orphanet 36387, MedGen C2751778, MONDO:0013470, OMIM 613863.

Submission:

Labcorp Genetics (formerly Invitae), Labcorp
Classification: Uncertain significance for Neuropathy, hereditary sensory and autonomic, type 2A; Generalized epilepsy with febrile seizures plus, type 7. Last evaluated: 2024-09-27. Review status: criteria provided, single submitter. Criteria: Invitae Variant Classification Sherloc (09022015). Collection method: clinical testing. Allele origin: germline.
Comment: This sequence change replaces methionine, which is neutral and non-polar, with isoleucine, which is neutral and non-polar, at codon 1474 of the SCN9A protein (p.Met1474Ile). This variant is not present in population databases (gnomAD no frequency). This variant has not been reported in the literature in individuals affected with SCN9A-related conditions. Invitae Evidence Modeling of protein sequence and biophysical properties (such as structural, functional, and spatial information, amino acid conservation, physicochemical variation, residue mobility, and thermodynamic stability) indicates that this missense variant is not expected to disrupt SCN9A protein function with a negative predictive value of 95%. In summary, the available evidence is currently insufficient to determine the role of this variant in disease. Therefore, it has been classified as a Variant of Uncertain Significance.